The following is an entry in ClinVar:

ClinVar aggregate classification (germline): Uncertain significance. Review status: criteria provided, multiple submitters, no conflicts (2 of 4 stars). 2 submissions from 2 submitters: Uncertain significance (2). Last evaluated 2025-03-31.

Conditions:
Inborn genetic diseases. Identifiers: MedGen C0950123, MeSH D030342.
Axenfeld-Rieger syndrome type 3 (RIEG3). Also called: AXENFELD-RIEGER ANOMALY WITH CARDIAC DEFECTS AND/OR SENSORINEURAL HEARING LOSS. Identifiers: Orphanet 782, MedGen C2678503, MONDO:0011233, OMIM 602482.

Allele frequency attached by ClinVar (database versions not stated): TOPMed 0.00003; gnomAD 0.00001.
gnomAD v4.1: 4 of 1,472,178 alleles (0.00027%); highest among the groups gnomAD compares: East Asian, 0.0088%; no homozygotes.

Submissions (2):

Labcorp Genetics (formerly Invitae), Labcorp
Classification: Uncertain significance for Axenfeld-Rieger syndrome type 3. Last evaluated: 2025-03-31. Review status: criteria provided, single submitter. Criteria: Invitae Variant Classification Sherloc (09022015). Collection method: clinical testing. Allele origin: germline.
Comment: This sequence change replaces proline, which is neutral and non-polar, with arginine, which is basic and polar, at codon 435 of the FOXC1 protein (p.Pro435Arg). The frequency data for this variant in the population databases is considered unreliable, as metrics indicate poor data quality at this position in the gnomAD database. This variant has not been reported in the literature in individuals affected with FOXC1-related conditions. ClinVar contains an entry for this variant (Variation ID: 3003410). An algorithm developed to predict the effect of missense changes on protein structure and function (PolyPhen-2) suggests that this variant is likely to be tolerated. In summary, the available evidence is currently insufficient to determine the role of this variant in disease. Therefore, it has been classified as a Variant of Uncertain Significance.

Ambry Genetics
Classification: Uncertain significance for Inborn genetic diseases. Last evaluated: 2023-12-27. Review status: criteria provided, single submitter. Criteria: Ambry Variant Classification Scheme 2023. Collection method: clinical testing. Allele origin: germline.

NM_001453.3(FOXC1):c.1304C>G (p.Pro435Arg)

Gene: FOXC1 (forkhead box C1; plus strand). Cytogenetic location: 6p25.3.
Variant type: single nucleotide variant.
Coding change: c.1304C>G on transcript NM_001453.3 (MANE Select); coding-DNA position 1304, C replaced by G.
Protein change: p.Pro435Arg; replaces proline 435 with arginine.
Molecular consequence: missense variant.
Genome position (GRCh38, 1-based): chr6:1,611,749, C>G. VCF-style: chr6-1611749-C-G. GRCh37 (hg19) VCF-style: chr6-1611984-C-G.
Other names: c.1304C>G (NM_001453.2); short protein forms P435R.
Identifiers: ClinVar variation 3003410 (VCV003003410.4), dbSNP rs1411407696, ClinGen allele CA362560639.
Genomic context (GRCh38, chr6:1,611,749, plus strand): 5'-CGCCCGGGGGCGCGGGCGGCTCGGCCGTGGACGACCCCCTGCCCGACTACTCTCTGCCTC[C>G]GGTCACCAGCAGCAGCTCGTCGTCCCTGAGTCACGGCGGCGGCGGCGGCGGCGGCGGGGG-3'
Protein context (NP_001444.2, residues 425-445): DDPLPDYSLP[Pro435Arg]VTSSSSSSLS